The following is an entry in ClinVar:

ClinVar aggregate classification (germline): Likely benign. Review status: criteria provided, multiple submitters, no conflicts (2 of 4 stars). 3 submissions from 3 submitters: Likely benign (3). Last evaluated 2025-09-20.

Conditions:
Chuvash polycythemia. Also called: POLYCYTHEMIA, VHL-DEPENDENT. Identifiers: Orphanet 238557, MedGen C1837915, MONDO:0009892, OMIM 263400.
Von Hippel-Lindau syndrome (VHLS). Also called: Von Hippel-Lindau; VHL syndrome; von Hippel–Lindau syndrome. Identifiers: Orphanet 892, MedGen C0019562, MONDO:0008667, OMIM 193300. Disease mechanism: loss of function.
Hereditary cancer-predisposing syndrome. Also called: Neoplastic Syndromes, Hereditary; Hereditary neoplastic syndrome; Tumor predisposition; Hereditary Cancer Syndrome. Identifiers: Orphanet 140162, MedGen C0027672, MeSH D009386, MONDO:0015356.

Allele frequency attached by ClinVar (database versions not stated): TOPMed 0.00001.

Submissions (3):

Labcorp Genetics (formerly Invitae), Labcorp
Classification: Likely benign for Von Hippel-Lindau syndrome; Chuvash polycythemia. Last evaluated: 2025-09-20. Review status: criteria provided, single submitter. Criteria: Invitae Variant Classification Sherloc (09022015). Collection method: clinical testing. Allele origin: germline.

Ambry Genetics
Classification: Likely benign for Hereditary cancer-predisposing syndrome. Last evaluated: 2022-03-02. Review status: criteria provided, single submitter. Criteria: Ambry Variant Classification Scheme 2023. Collection method: clinical testing. Allele origin: germline.

GeneDx
Classification: Likely benign. Last evaluated: 2016-11-07. Review status: criteria provided, single submitter. Criteria: GeneDx Variant Classification (06012015). Collection method: clinical testing. Allele origin: germline. Affected: yes.
Comment: This variant is considered likely benign or benign based on one or more of the following criteria: it is a conservative change, it occurs at a poorly conserved position in the protein, it is predicted to be benign by multiple in silico algorithms, and/or has population frequency not consistent with disease.

NM_000551.4(VHL):c.522T>C (p.Asn174=)

Genes: VHL (von Hippel-Lindau tumor suppressor; plus strand), LOC107303340 (3p25 von Hippel-Lindau tumor suppressor, E3 ubiquitin protein ligase Alu-mediated recombination region; plus strand). Cytogenetic location: 3p25.3.
Variant type: single nucleotide variant.
Coding change: c.522T>C on transcript NM_000551.4 (MANE Select); coding-DNA position 522, T replaced by C.
Protein change: p.Asn174=; no amino-acid change (asparagine 174 retained).
Molecular consequence: synonymous variant. On other transcripts: 3 prime UTR variant (1).
Genome position (GRCh38, 1-based): chr3:10,149,845, T>C. VCF-style: chr3-10149845-T-C. GRCh37 (hg19) VCF-style: chr3-10191529-T-C.
Other names: c.*76T>C (NM_001354723.2); c.399T>C, p.Asn133= (NM_198156.3).
Identifiers: ClinVar variation 390882 (VCV000390882.12), dbSNP rs1057523911, ClinGen allele CA16604772.
Genomic context (GRCh38, chr3:10,149,845, plus strand): 5'-AGTGTATACTCTGAAAGAGCGATGCCTCCAGGTTGTCCGGAGCCTAGTCAAGCCTGAGAA[T>C]TACAGGAGACTGGACATCGTCAGGTCGCTCTACGAAGATCTGGAAGACCACCCAAATGTG-3'
Protein context (NP_000542.1, residues 164-184): QVVRSLVKPE[Asn174=]YRRLDIVRSL